The following is an entry in ClinVar:

ClinVar aggregate classification (germline): Uncertain significance (1 of 4 stars; one submission).

Conditions:
Birt-Hogg-Dube syndrome. Also called: Birt Hogg Dubé syndrome. Identifiers: Orphanet 122, MedGen C0346010, MONDO:0800444.

Submission:

Labcorp Genetics (formerly Invitae), Labcorp
Classification: Uncertain significance for Birt-Hogg-Dube syndrome. Last evaluated: 2024-08-17. Review status: criteria provided, single submitter. Criteria: Invitae Variant Classification Sherloc (09022015). Collection method: clinical testing. Allele origin: germline.
Comment: This sequence change replaces leucine, which is neutral and non-polar, with proline, which is neutral and non-polar, at codon 539 of the FLCN protein (p.Leu539Pro). This variant is not present in population databases (gnomAD no frequency). This variant has not been reported in the literature in individuals affected with FLCN-related conditions. Invitae Evidence Modeling of protein sequence and biophysical properties (such as structural, functional, and spatial information, amino acid conservation, physicochemical variation, residue mobility, and thermodynamic stability) has been performed for this missense variant. However, the output from this modeling did not meet the statistical confidence thresholds required to predict the impact of this variant on FLCN protein function. In summary, the available evidence is currently insufficient to determine the role of this variant in disease. Therefore, it has been classified as a Variant of Uncertain Significance.

NM_144997.7(FLCN):c.1616T>C (p.Leu539Pro)

Gene: FLCN (folliculin; minus strand). Cytogenetic location: 17p11.2.
Variant type: single nucleotide variant.
Coding change: c.1616T>C on transcript NM_144997.7 (MANE Select); coding-DNA position 1616, T replaced by C.
Protein change: p.Leu539Pro; replaces leucine 539 with proline.
Molecular consequence: missense variant.
Genome position (GRCh38, 1-based): chr17:17,213,779, A>G on the plus strand (T>C on the coding strand, the complement: FLCN is on the minus strand). VCF-style: chr17-17213779-A-G. GRCh37 (hg19) VCF-style: chr17-17117093-A-G.
Other names: c.1670T>C, p.Leu557Pro (NM_001353229.2); c.1616T>C, p.Leu539Pro (NM_001353230.2, NM_001353231.2); short protein forms L539P, L557P.
Identifiers: ClinVar variation 3688991 (VCV003688991.2).